The following is an entry in ClinVar:

NC_000022.11:g.40345885C>G

Gene: ADSL (adenylosuccinate lyase; plus strand). Cytogenetic location: 22q13.1.
Variant type: single nucleotide variant.
Genome position: GRCh38 VCF-style: chr22-40345885-C-G. GRCh37 (hg19) VCF-style: chr22-40741889-C-G.
Identifiers: ClinVar variation 1419263 (VCV001419263.4), dbSNP rs868152963, ClinGen allele CA324446426.

ClinVar aggregate classification (germline): Uncertain significance (1 of 4 stars; one submission).

Conditions:
Adenylosuccinate lyase deficiency (ADSLD). Also called: ADSL DEFICIENCY. Identifiers: Orphanet 46, MedGen C0268126, MONDO:0007068, OMIM 103050.

Allele frequency attached by ClinVar (database versions not stated): gnomAD 0.00001; TOPMed 0.00001.

Submission:

Labcorp Genetics (formerly Invitae), Labcorp
Classification: Uncertain significance for Adenylosuccinate lyase deficiency. Last evaluated: 2023-07-07. Review status: criteria provided, single submitter. Criteria: Invitae Variant Classification Sherloc (09022015). Collection method: clinical testing. Allele origin: germline.
Comment: This variant has not been reported in the literature in individuals affected with ADSL-related conditions. In summary, the available evidence is currently insufficient to determine the role of this variant in disease. Therefore, it has been classified as a Variant of Uncertain Significance. Experimental studies and prediction algorithms are not available or were not evaluated, and the functional significance of this variant is currently unknown. This variant is not present in population databases (gnomAD no frequency). This variant occurs in a non-coding region of the ADSL gene. It does not change the encoded amino acid sequence of the ADSL protein.